The following is an entry in ClinVar:

ClinVar aggregate classification (germline): Uncertain significance (1 of 4 stars; one submission).

Allele frequency attached by ClinVar (database versions not stated): gnomAD exomes below 0.00001; ExAC 0.00002; TOPMed 0.00003; gnomAD 0.00004; ESP Exome Variant Server 0.00008.
gnomAD v4.1: 11 of 1,613,672 alleles (0.00068%); highest among the groups gnomAD compares: African/African-American, 0.015%; no homozygotes.

Submission:

Labcorp Genetics (formerly Invitae), Labcorp
Classification: Uncertain significance. Last evaluated: 2022-04-13. Review status: criteria provided, single submitter. Criteria: Invitae Variant Classification Sherloc (09022015). Collection method: clinical testing. Allele origin: germline.
Comment: This sequence change replaces methionine, which is neutral and non-polar, with isoleucine, which is neutral and non-polar, at codon 325 of the UBR1 protein (p.Met325Ile). This variant is present in population databases (rs374589988, gnomAD 0.01%). This variant has not been reported in the literature in individuals affected with UBR1-related conditions. Algorithms developed to predict the effect of missense changes on protein structure and function (SIFT, PolyPhen-2, Align-GVGD) all suggest that this variant is likely to be tolerated. In summary, the available evidence is currently insufficient to determine the role of this variant in disease. Therefore, it has been classified as a Variant of Uncertain Significance.

NM_174916.3(UBR1):c.975G>C (p.Met325Ile)

Gene: UBR1 (ubiquitin protein ligase E3 component n-recognin 1; minus strand). Cytogenetic location: 15q15.2.
Variant type: single nucleotide variant.
Coding change: c.975G>C on transcript NM_174916.3 (MANE Select); coding-DNA position 975, G replaced by C.
Protein change: p.Met325Ile; replaces methionine 325 with isoleucine.
Molecular consequence: missense variant.
Genome position (GRCh38, 1-based): chr15:43,059,712, C>G on the plus strand (G>C on the coding strand, the complement: UBR1 is on the minus strand). VCF-style: chr15-43059712-C-G. GRCh37 (hg19) VCF-style: chr15-43351910-C-G.
Other names: short protein forms M325I.
Identifiers: ClinVar variation 2175966 (VCV002175966.1), dbSNP rs374589988, ClinGen allele CA7518869.